The following is an entry in ClinVar:

ClinVar aggregate classification (germline): Uncertain significance (1 of 4 stars; one submission).

Submission:

GeneDx
Classification: Uncertain significance. Last evaluated: 2023-01-11. Review status: criteria provided, single submitter. Criteria: GeneDx Variant Classification Process June 2021. Collection method: clinical testing. Allele origin: germline. Affected: yes.
Comment: Has not been previously published as pathogenic or benign to our knowledge; Not observed at significant frequency in large population cohorts (gnomAD); Frameshift variant predicted to result in protein truncation as the last 73 amino acids are replaced with 11 different amino acids, although loss-of-function variants have not been reported downstream of this position in the protein

NM_000093.5(COL5A1):c.5294dup (p.Phe1766fs)

Genes: COL5A1 (collagen type V alpha 1 chain; plus strand), LOC101448202 (uncharacterized LOC101448202; minus strand). Cytogenetic location: 9q34.3.
Variant type: Duplication.
Coding change: c.5294dup on transcript NM_000093.5 (MANE Select); coding-DNA position 5294, one base duplicated (G; older notation c.5294dupG).
Protein change: p.Phe1766fs; shifts the reading frame from phenylalanine 1766.
Molecular consequence: frameshift variant.
Genome position (GRCh38, 1-based): chr9:134,835,128, G duplicated. VCF-style (leftmost placement, unchanged base first): chr9-134835127-C-CG. GRCh37 (hg19) VCF-style: chr9-137726973-C-CG.
Other names: c.5294dup, p.Phe1766fs (NM_001278074.1); short protein forms F1766fs.
Identifiers: ClinVar variation 2572687 (VCV002572687.1), dbSNP rs2490930525, ClinGen allele CA2580617145.